The following is an entry in ClinVar:

ClinVar aggregate classification (germline): Uncertain significance (1 of 4 stars; one submission).

Conditions:
Carnitine palmitoyl transferase 1A deficiency. Also called: CPT deficiency, hepatic, type IA; Carnitine palmitoyltransferase type I deficiency; Carnitine palmitoyltransferase 1A deficiency; CPT I DEFICIENCY; CPT DEFICIENCY, HEPATIC, TYPE I. Identifiers: Orphanet 156, MedGen C1829703, MONDO:0009705, OMIM 255120.

gnomAD v4.1: 2 of 1,614,146 alleles (0.00012%); highest among the groups gnomAD compares: Non-Finnish European, 0.00017%; no homozygotes.

Submission:

Labcorp Genetics (formerly Invitae), Labcorp
Classification: Uncertain significance for Carnitine palmitoyl transferase 1A deficiency. Last evaluated: 2022-07-12. Review status: criteria provided, single submitter. Criteria: Invitae Variant Classification Sherloc (09022015). Collection method: clinical testing. Allele origin: germline.
Comment: In summary, the available evidence is currently insufficient to determine the role of this variant in disease. Therefore, it has been classified as a Variant of Uncertain Significance. Algorithms developed to predict the effect of missense changes on protein structure and function (SIFT, PolyPhen-2, Align-GVGD) all suggest that this variant is likely to be tolerated. ClinVar contains an entry for this variant (Variation ID: 1349562). This variant has not been reported in the literature in individuals affected with CPT1A-related conditions. This variant is not present in population databases (gnomAD no frequency). This sequence change replaces serine, which is neutral and polar, with tyrosine, which is neutral and polar, at codon 442 of the CPT1A protein (p.Ser442Tyr).

NM_001876.4(CPT1A):c.1325C>A (p.Ser442Tyr)

Genes: CPT1A (carnitine palmitoyltransferase 1A; minus strand), LOC126861244 (BRD4-independent group 4 enhancer GRCh37_chr11:68549035-68550234; plus strand). Cytogenetic location: 11q13.3.
Variant type: single nucleotide variant.
Coding change: c.1325C>A on transcript NM_001876.4 (MANE Select); coding-DNA position 1325, C replaced by A.
Protein change: p.Ser442Tyr; replaces serine 442 with tyrosine.
Molecular consequence: missense variant.
Genome position (GRCh38, 1-based): chr11:68,781,798, G>T on the plus strand (C>A on the coding strand, the complement: CPT1A is on the minus strand). VCF-style: chr11-68781798-G-T. GRCh37 (hg19) VCF-style: chr11-68549266-G-T.
Other names: c.1325C>A, p.Ser442Tyr (NM_001031847.3); short protein forms S442Y.
Identifiers: ClinVar variation 1349562 (VCV001349562.6), dbSNP rs2153997915, ClinGen allele CA381631319.
Genomic context (GRCh38, chr11:68,781,798, plus strand): 5'-AAACTCCTGTCTCTCAGAAGGTAAGGACGGTACCTGTCGTAACATCGGCCGTGTAGTAGA[G>T]ATTTGGCGTAGCTGTCCATTGACGTATCCGGGTCTTCACTTCTGTATCCTTCTTCAGTTT-3'
Protein context (NP_001867.2, residues 432-452): PDTSMDSYAK[Ser442Tyr]LLHGRCYDRW